The following is an entry in ClinVar:

ClinVar aggregate classification (germline): Uncertain significance (1 of 4 stars; one submission).

gnomAD v4.1: 4 of 1,614,174 alleles (0.00025%); highest among the groups gnomAD compares: African/African-American, 0.004%; no homozygotes.

Submission:

Labcorp Genetics (formerly Invitae), Labcorp
Classification: Uncertain significance. Last evaluated: 2021-08-25. Review status: criteria provided, single submitter. Criteria: Invitae Variant Classification Sherloc (09022015). Collection method: clinical testing. Allele origin: germline.
Comment: This sequence change replaces methionine with valine at codon 395 of the ABCA4 protein (p.Met395Val). The methionine residue is highly conserved and there is a small physicochemical difference between methionine and valine. This variant is not present in population databases (ExAC no frequency). This variant has not been reported in the literature in individuals affected with ABCA4-related conditions. Advanced modeling of protein sequence and biophysical properties (such as structural, functional, and spatial information, amino acid conservation, physicochemical variation, residue mobility, and thermodynamic stability) performed at Invitae indicates that this missense variant is not expected to disrupt ABCA4 protein function. Algorithms developed to predict the effect of sequence changes on RNA splicing suggest that this variant may create or strengthen a splice site. In summary, the available evidence is currently insufficient to determine the role of this variant in disease. Therefore, it has been classified as a Variant of Uncertain Significance.

NM_000350.3(ABCA4):c.1183A>G (p.Met395Val)

Gene: ABCA4 (ATP binding cassette subfamily A member 4; minus strand). Cytogenetic location: 1p22.1.
Variant type: single nucleotide variant.
Coding change: c.1183A>G on transcript NM_000350.3 (MANE Select); coding-DNA position 1183, A replaced by G.
Protein change: p.Met395Val; replaces methionine 395 with valine.
Molecular consequence: missense variant.
Genome position (GRCh38, 1-based): chr1:94,079,378, T>C on the plus strand (A>G on the coding strand, the complement: ABCA4 is on the minus strand). VCF-style: chr1-94079378-T-C. GRCh37 (hg19) VCF-style: chr1-94544934-T-C.
Other names: c.1183A>G, p.Met395Val (NM_001425324.1); short protein forms M395V.
Identifiers: ClinVar variation 1464110 (VCV001464110.3), dbSNP rs878885399, ClinGen allele CA26869037.